The following is an entry in ClinVar:

NM_001393769.1(MED12L):c.5255T>C (p.Met1752Thr)

Gene: MED12L (mediator complex subunit 12L; plus strand). Cytogenetic location: 3q25.1.
Variant type: single nucleotide variant.
Coding change: c.5255T>C on transcript NM_001393769.1 (MANE Select); coding-DNA position 5255, T replaced by C.
Protein change: p.Met1752Thr; replaces methionine 1752 with threonine.
Molecular consequence: missense variant.
Genome position (GRCh38, 1-based): chr3:151,387,976, T>C. VCF-style: chr3-151387976-T-C. GRCh37 (hg19) VCF-style: chr3-151105764-T-C.
Other names: c.5150T>C, p.Met1717Thr (NM_053002.6); short protein forms M1717T, M1752T.
Identifiers: ClinVar variation 4882155 (VCV004882155.2).

ClinVar aggregate classification (germline): Uncertain significance (1 of 4 stars; one submission).

Submission:

Dasa
Classification: Uncertain significance. Last evaluated: 2025-02-21. Review status: criteria provided, single submitter. Criteria: DASA Assertion Criteria. Collection method: clinical testing. Allele origin: germline.
Comment: NM_001393769.1(MED12L):c.5255T>C (p.Met1752Thr) is a missense variant that results in the substitution of methionine with threonine. This variant is absent from population databases. Computational prediction algorithms are consistent with a benign effect. The currently available literature and clinical evidence are not sufficient to establish a definitive association between this variant and the reported condition. Therefore, this variant is classified as a variant of uncertain significance.